The following is an entry in ClinVar:

ClinVar aggregate classification (germline): Uncertain significance. Review status: criteria provided, multiple submitters, no conflicts (2 of 4 stars). 2 submissions from 2 submitters: Uncertain significance (2). Last evaluated 2024-09-16.

Allele frequency attached by ClinVar (database versions not stated): gnomAD 0.00001; TOPMed 0.00002; ExAC 0.00004.
gnomAD v4.1: 35 of 1,614,050 alleles (0.0022%); highest among the groups gnomAD compares: Non-Finnish European, 0.0024%; no homozygotes.

Submissions (2):

Blueprint Genetics
Classification: Uncertain significance. Last evaluated: 2024-09-16. Review status: criteria provided, single submitter. Criteria: ACMG Guidelines, 2015. Collection method: clinical testing. Allele origin: germline.

GeneDx
Classification: Uncertain significance. Last evaluated: 2023-12-18. Review status: criteria provided, single submitter. Criteria: GeneDx Variant Classification Process June 2021. Collection method: clinical testing. Allele origin: germline. Affected: yes.
Comment: In silico analysis supports that this missense variant has a deleterious effect on protein structure/function; Has not been previously published as pathogenic or benign to our knowledge

NM_005085.4(NUP214):c.5269G>A (p.Gly1757Ser)

Gene: NUP214 (nucleoporin 214; plus strand). Cytogenetic location: 9q34.13.
Variant type: single nucleotide variant.
Coding change: c.5269G>A on transcript NM_005085.4 (MANE Select); coding-DNA position 5269, G replaced by A.
Protein change: p.Gly1757Ser; replaces glycine 1757 with serine.
Molecular consequence: missense variant.
Genome position (GRCh38, 1-based): chr9:131,198,763, G>A. VCF-style: chr9-131198763-G-A. GRCh37 (hg19) VCF-style: chr9-134074150-G-A.
Other names: c.5239G>A, p.Gly1747Ser (NM_001318324.2); c.1747G>A, p.Gly583Ser (NM_001318325.2); short protein forms G1747S, G1757S, G583S.
Identifiers: ClinVar variation 3253381 (VCV003253381.2), dbSNP rs778848415.